The following is an entry in ClinVar:

ClinVar aggregate classification (germline): Likely benign (0 of 4 stars; one submission).

Conditions:
RYR3-related disorder. Also called: RYR3-related condition.

Allele frequency attached by ClinVar (database versions not stated): ExAC 0.00004.
gnomAD v4.1: 16 of 1,567,924 alleles (0.001%); highest among the groups gnomAD compares: South Asian, 0.0024%; no homozygotes.

Submission:

PreventionGenetics, part of Exact Sciences
Classification: Likely benign for RYR3-related condition. Last evaluated: 2020-01-03. Review status: no assertion criteria provided. Collection method: clinical testing. Allele origin: germline.
Comment: This variant is classified as likely benign based on ACMG/AMP sequence variant interpretation guidelines (Richards et al. 2015 PMID: 25741868, with internal and published modifications).

NM_001036.6(RYR3):c.4491C>T (p.Pro1497=)

Gene: RYR3 (ryanodine receptor 3; plus strand). Cytogenetic location: 15q14.
Variant type: single nucleotide variant.
Coding change: c.4491C>T on transcript NM_001036.6 (MANE Select); coding-DNA position 4491, C replaced by T.
Protein change: p.Pro1497=; no amino-acid change (proline 1497 retained).
Molecular consequence: synonymous variant.
Genome position (GRCh38, 1-based): chr15:33,660,292, C>T. VCF-style: chr15-33660292-C-T. GRCh37 (hg19) VCF-style: chr15-33952493-C-T.
Other names: c.4491C>T, p.Pro1497= (NM_001243996.4).
Identifiers: ClinVar variation 3040217 (VCV003040217.2), dbSNP rs777687584, ClinGen allele CA7459023.
Genomic context (GRCh38, chr15:33,660,292, plus strand): 5'-TGAAGAGAAGAACCCAGTCCCACAGTGTCCACCTCGGCTGGACGTCCAAACCATCCAGCC[C>T]GTGCTCTGGAGCCGCATGCCCAACAGCTTCCTGAAGGTGGAGACCGAGCGTGTGAGCGAG-3'
Protein context (NP_001027.3, residues 1487-1507): PPRLDVQTIQ[Pro1497=]VLWSRMPNSF